The following is an entry in ClinVar:

ClinVar aggregate classification (germline): Uncertain significance (1 of 4 stars; one submission).

Conditions:
Atypical hemolytic-uremic syndrome. Identifiers: Orphanet 2134, MedGen C2931788, MONDO:0016244.

Submission:

Genomenon, Inc
Classification: Uncertain significance for Atypical hemolytic-uremic syndrome. Last evaluated: 2025-10-02. Review status: criteria provided, single submitter. Criteria: Genomenon Sequence Variant Interpretation Standards. Collection method: curation. Allele origin: germline. Affected: yes.
Comment: CD46 p.Cys94Tyr (c.281G>A) is a missense variant that changes the amino acid at residue 94 from Cysteine to Tyrosine. This variant has been observed in at least one proband affected with atypical hemolytic-uremic syndrome (PMID:39534187). It is absent or not present at a significant frequency in gnomAD. In conclusion, we classify CD46 p.Cys94Tyr (c.281G>A) as a variant of uncertain significance.

Literature cited by the submitters: PubMed 39534187.

NM_172351.3(CD46):c.281G>A (p.Cys94Tyr)

Gene: CD46 (CD46 molecule; plus strand). Cytogenetic location: 1q32.2.
Variant type: single nucleotide variant.
Coding change: c.281G>A on transcript NM_172351.3 (MANE Select); coding-DNA position 281, G replaced by A.
Protein change: p.Cys94Tyr; replaces cysteine 94 with tyrosine.
Molecular consequence: missense variant.
Genome position (GRCh38, 1-based): chr1:207,757,197, G>A. VCF-style: chr1-207757197-G-A. GRCh37 (hg19) VCF-style: chr1-207930542-G-A.
Other names: c.281G>A, p.Cys94Tyr (NM_002389.4, NM_153826.4, NM_172350.3 and 8 more transcripts); short protein forms C94Y.
Identifiers: ClinVar variation 4291253 (VCV004291253.1).
Genomic context (GRCh38, chr1:207,757,197, plus strand): 5'-TTGCCACCCATACTATTTGTGATCGGAATCATACATGGCTACCTGTCTCAGATGACGCCT[G>A]TTATAGTAAGTAAACAAACCTCTTTTTTTTTTCTGCTTGCTCTAGAGATTTGCATACATT-3'
Protein context (NP_758861.1, residues 84-104): HTWLPVSDDA[Cys94Tyr]YRETCPYIRD